The following is an entry in ClinVar:

NM_058216.3(RAD51C):c.404+91A>G

Gene: RAD51C (RAD51 paralog C; plus strand). Cytogenetic location: 17q22.
Variant type: single nucleotide variant.
Coding change: c.404+91A>G on transcript NM_058216.3 (MANE Select); 91 bases into the intron after coding-DNA position 404, A replaced by G.
Molecular consequence: intron variant. On other transcripts: 3 prime UTR variant (1), non-coding transcript variant (1).
Genome position (GRCh38, 1-based): chr17:58,695,280, A>G. VCF-style: chr17-58695280-A-G. GRCh37 (hg19) VCF-style: chr17-56772641-A-G.
Other names: c.*87A>G (NM_002876.4).
Identifiers: ClinVar variation 3602627 (VCV003602627.1).

ClinVar aggregate classification (germline): Likely benign (1 of 4 stars; one submission).

Conditions:
Hereditary breast ovarian cancer syndrome. Also called: Hereditary breast and ovarian cancer syndrome; Hereditary breast and ovarian cancer; Hereditary breast and ovarian cancer syndrome (HBOC); Hereditary breast and/or ovarian cancer syndrome; Breast and ovarian cancer; BRCA1- and BRCA2-Associated Hereditary Breast and Ovarian Cancer. Identifiers: Orphanet 145, MedGen C0677776, MeSH D061325, MONDO:0003582. Disease mechanism: loss of function.

gnomAD v4.1: 11 of 1,484,974 alleles (0.00074%); highest among the groups gnomAD compares: African/African-American, 0.0071%; no homozygotes.

Submission:

Institute for Biomarker Research, Medical Diagnostic Laboratories, L.L.C.
Classification: Likely benign for Hereditary breast ovarian cancer syndrome. Last evaluated: 2024-12-09. Review status: criteria provided, single submitter. Criteria: ACMG Guidelines, 2015. Collection method: clinical testing. Allele origin: germline.
Comment: The intron variant NM_058216.3(RAD51C):c.404+91A>G has not been reported previously as a pathogenic variant nor as a benign variant, to our knowledge. The c.404+91A>G variant is novel (not in any individuals) in 1kG. The c.404+91A>G variant is not predicted to disrupt an existing splice site. The c.404+91A>G variant results in a substitution of a base that is not predicted conserved by GERP++ and PhyloP. For these reasons, this variant has been classified as Likely Benign.